The following is an entry in ClinVar:

ClinVar aggregate classification (germline): Uncertain significance (1 of 4 stars; one submission).

Conditions:
FLT4-related disorder. Also called: FLT4-related condition.

Submission:

PreventionGenetics, part of Exact Sciences
Classification: Uncertain significance for FLT4-related condition. Last evaluated: 2023-06-08. Review status: criteria provided, single submitter. Criteria: ACMG Guidelines, 2015. Collection method: clinical testing. Allele origin: germline.
Comment: The FLT4 c.2132_2134delGGT variant is predicted to result in an in-frame deletion (p.Trp711del). To our knowledge, this variant has not been reported in the literature or in a large population database, indicating this variant is rare. At this time, the clinical significance of this variant is uncertain due to the absence of conclusive functional and genetic evidence.

NM_182925.5(FLT4):c.2132_2134del (p.Trp711del)

Gene: FLT4 (fms related receptor tyrosine kinase 4; minus strand). Cytogenetic location: 5q35.3.
Variant type: Deletion.
Coding change: c.2132_2134del on transcript NM_182925.5 (MANE Select); coding-DNA positions 2132 to 2134, 3 bases deleted (GGT; older notation c.2132_2134delGGT).
Protein change: p.Trp711del; deletes tryptophan 711.
Molecular consequence: inframe deletion.
Genome position (GRCh38, 1-based): chr5:180,621,139-180,621,141, ACC deleted on the plus strand (GGT on the coding strand, the reverse complement: FLT4 is on the minus strand); deleting any 3 consecutive bases within chr5:180,621,139-180,621,143 gives the same sequence; the c. name uses the placement nearest the transcript's 3' end. VCF-style (leftmost placement, unchanged base first): chr5-180621138-TACC-T. GRCh37 (hg19) VCF-style: chr5-180048138-TACC-T.
Other names: c.2132_2134del, p.Trp711del (NM_001354989.2, NM_002020.5); short protein forms W711del.
Identifiers: ClinVar variation 2632722 (VCV002632722.1), dbSNP rs2480914741, ClinGen allele CA2695198798.